The following is an entry in ClinVar:

NM_012199.5(AGO1):c.1257C>T (p.Gly419=)

Gene: AGO1 (argonaute RISC component 1; plus strand). Cytogenetic location: 1p34.3.
Variant type: single nucleotide variant.
Coding change: c.1257C>T on transcript NM_012199.5 (MANE Select); coding-DNA position 1257, C replaced by T.
Protein change: p.Gly419=; no amino-acid change (glycine 419 retained).
Molecular consequence: synonymous variant.
Genome position (GRCh38, 1-based): chr1:35,902,064, C>T. VCF-style: chr1-35902064-C-T. GRCh37 (hg19) VCF-style: chr1-36367665-C-T.
Other names: c.1257C>T, p.Gly419= (NM_001317122.2); c.1032C>T, p.Gly344= (NM_001317123.2).
Identifiers: ClinVar variation 714569 (VCV000714569.19), dbSNP rs61751003, ClinGen allele CA763167.

ClinVar aggregate classification (germline): Benign/Likely benign. Review status: criteria provided, multiple submitters, no conflicts (2 of 4 stars). 4 submissions from 4 submitters: Benign (1); Likely benign (2). 1 of the submissions does not count toward it. Last evaluated 2026-07-01.

Conditions:
AGO1-related disorder. Also called: AGO1-related condition.

Allele frequency attached by ClinVar (database versions not stated): 1000 Genomes Project 30x 0.00047; 1000 Genomes Project 0.00060; gnomAD 0.00196 and 0.00198; TOPMed 0.00216; gnomAD exomes 0.00220; ESP Exome Variant Server 0.00246; ExAC 0.00267.

Submissions (4):

CeGaT Center for Human Genetics Tuebingen
Classification: Likely benign. Last evaluated: 2026-07-01. Review status: criteria provided, single submitter. Criteria: CeGaT Center For Human Genetics Tuebingen Variant Classification Criteria Version 2. Collection method: clinical testing. Allele origin: germline. Affected: yes. Observed: 5 variant alleles.
Comment: AGO1: BP4, BP7, BS2

Blueprint Genetics
Classification: Likely benign. Last evaluated: 2024-11-08. Review status: criteria provided, single submitter. Criteria: ACMG Guidelines, 2015. Collection method: clinical testing. Allele origin: germline.

Labcorp Genetics (formerly Invitae), Labcorp
Classification: Benign. Last evaluated: 2019-12-31. Review status: criteria provided, single submitter. Criteria: Invitae Variant Classification Sherloc (09022015). Collection method: clinical testing. Allele origin: germline.

PreventionGenetics, part of Exact Sciences
Classification: Benign for AGO1-related condition. Last evaluated: 2024-08-19. Review status: no assertion criteria provided. Collection method: clinical testing. Allele origin: germline. Not counted in ClinVar's aggregate classification.
Comment: This variant is classified as benign based on ACMG/AMP sequence variant interpretation guidelines (Richards et al. 2015 PMID: 25741868, with internal and published modifications).